The following is an entry in ClinVar:

ClinVar aggregate classification (germline): Uncertain significance (1 of 4 stars; one submission).

Conditions:
Nizon-Isidor syndrome. Identifiers: MedGen C5394350, MONDO:0030030, OMIM 618872.

gnomAD v4.1: 4 of 1,613,984 alleles (0.00025%); highest among the groups gnomAD compares: East Asian, 0.0089%; no homozygotes.

Submission:

Juno Genomics, Hangzhou Juno Genomics, Inc
Classification: Uncertain significance for Nizon-Isidor syndrome. Review status: criteria provided, single submitter. Criteria: ACMG Guidelines, 2015. Collection method: clinical testing. Allele origin: germline.
Comment: Absent from controls (or at extremely low frequency if recessive) in Genome Aggregation Database.;Missense variant in a gene that has a low rate of benign missense variation.

NM_001393769.1(MED12L):c.5297C>T (p.Pro1766Leu)

Gene: MED12L (mediator complex subunit 12L; plus strand). Cytogenetic location: 3q25.1.
Variant type: single nucleotide variant.
Coding change: c.5297C>T on transcript NM_001393769.1 (MANE Select); coding-DNA position 5297, C replaced by T.
Protein change: p.Pro1766Leu; replaces proline 1766 with leucine.
Molecular consequence: missense variant.
Genome position (GRCh38, 1-based): chr3:151,388,018, C>T. VCF-style: chr3-151388018-C-T. GRCh37 (hg19) VCF-style: chr3-151105806-C-T.
Other names: c.5192C>T, p.Pro1731Leu (NM_053002.6); short protein forms P1731L, P1766L.
Identifiers: ClinVar variation 5018596 (VCV005018596.2).
Genomic context (GRCh38, chr3:151,388,018, plus strand): 5'-TGTATCACACACACCCCATGCCCAAGCCCCGCAGTTACTACCTCCAGCCACTGCCCCTGC[C>T]TCCTGAGGAGGAAGAGGAAGAGCCCACATCTCCAGTTTCTCAGGAACCAGAAAGGAAGTC-3'
Protein context (NP_001380698.1, residues 1756-1776): RSYYLQPLPL[Pro1766Leu]PEEEEEEPTS